The following is an entry in ClinVar:

NM_000257.4(MYH7):c.2725_2745dup (p.Ile909_Leu915dup)

Gene: MYH7 (myosin heavy chain 7; minus strand). Cytogenetic location: 14q11.2.
Variant type: Duplication.
Coding change: c.2725_2745dup on transcript NM_000257.4 (MANE Select); coding-DNA positions 2725 to 2745, 21 bases duplicated (ATCAAAAACAAGATTCAGCTG).
Protein change: p.Ile909_Leu915dup.
Molecular consequence: inframe insertion.
Genome position (GRCh38, 1-based): chr14:23,424,084-23,424,104, CAGCTGAATCTTGTTTTTGAT duplicated on the plus strand (ATCAAAAACAAGATTCAGCTG on the coding strand, the reverse complement: MYH7 is on the minus strand); duplicating any 21 consecutive bases within chr14:23,424,084-23,424,111 gives the same sequence; the c. name uses the placement nearest the transcript's 3' end. VCF-style (leftmost placement, unchanged base first): chr14-23424083-C-CCAGCTGAATCTTGTTTTTGAT. GRCh37 (hg19) VCF-style: chr14-23893292-C-CCAGCTGAATCTTGTTTTTGAT.
Identifiers: ClinVar variation 454362 (VCV000454362.11), dbSNP rs1555337594, ClinGen allele CA658658246.

ClinVar aggregate classification (germline): Uncertain significance. Review status: criteria provided, multiple submitters, no conflicts (2 of 4 stars). 2 submissions from 2 submitters: Uncertain significance (2). Last evaluated 2022-06-20.

Conditions:
Hypertrophic cardiomyopathy. Also called: HYPERTROPHIC MYOCARDIOPATHY. Identifiers: Orphanet 217569, MedGen C0007194, MeSH D002312, MONDO:0005045, HP:0001639.

Submissions (2):

Labcorp Genetics (formerly Invitae), Labcorp
Classification: Uncertain significance for Hypertrophic cardiomyopathy. Last evaluated: 2022-06-20. Review status: criteria provided, single submitter. Criteria: Invitae Variant Classification Sherloc (09022015). Collection method: clinical testing. Allele origin: germline.
Comment: In summary, the available evidence is currently insufficient to determine the role of this variant in disease. Therefore, it has been classified as a Variant of Uncertain Significance. Experimental studies and prediction algorithms are not available or were not evaluated, and the functional significance of this variant is currently unknown. ClinVar contains an entry for this variant (Variation ID: 454362). This variant has not been reported in the literature in individuals affected with MYH7-related conditions. This variant is not present in population databases (gnomAD no frequency). This variant, c.2725_2745dup, results in the insertion of 7 amino acid(s) of the MYH7 protein (p.Ile909_Leu915dup), but otherwise preserves the integrity of the reading frame.

Revvity Omics, Revvity
Classification: Uncertain significance. Last evaluated: 2021-03-01. Review status: criteria provided, single submitter. Criteria: ACMG Guidelines, 2015. Collection method: clinical testing. Allele origin: germline.